The following is an entry in ClinVar:

ClinVar aggregate classification (germline): Benign/Likely benign. Review status: criteria provided, multiple submitters, no conflicts (2 of 4 stars). 8 submissions from 8 submitters: Benign (1); Likely benign (4). 3 of the submissions do not count toward it. Last evaluated 2025-12-22.

Conditions:
MLPH-related disorder. Also called: MLPH-related condition.

Allele frequency attached by ClinVar (database versions not stated): ESP Exome Variant Server 0.00108; 1000 Genomes Project 0.00160; 1000 Genomes Project 30x 0.00187; gnomAD exomes 0.00022 and 0.00043; ExAC 0.00055; gnomAD 0.00088 and 0.00093; TOPMed 0.00088.
gnomAD v4.1: 490 of 1,609,460 alleles (0.03%); highest among the groups gnomAD compares: Middle Eastern, 0.49%; 1 homozygote.

Submissions (8):

Labcorp Genetics (formerly Invitae), Labcorp
Classification: Benign. Last evaluated: 2025-12-22. Review status: criteria provided, single submitter. Criteria: Invitae Variant Classification Sherloc (09022015). Collection method: clinical testing. Allele origin: germline.

Blueprint Genetics
Classification: Likely benign. Last evaluated: 2024-11-12. Review status: criteria provided, single submitter. Criteria: ACMG Guidelines, 2015. Collection method: clinical testing. Allele origin: germline.

CeGaT Center for Human Genetics Tuebingen
Classification: Likely benign. Last evaluated: 2022-12-01. Review status: criteria provided, single submitter. Criteria: CeGaT Center For Human Genetics Tuebingen Variant Classification Criteria Version 2. Collection method: clinical testing. Allele origin: germline. Affected: yes. Observed: 1 variant allele.
Comment: MLPH: BP4, BP7

Genetic Services Laboratory, University of Chicago
Classification: Likely benign. Last evaluated: 2015-10-14. Review status: criteria provided, single submitter. Criteria: ACMG Guidelines, 2015. Collection method: clinical testing. Allele origin: germline. Affected: no.

Breakthrough Genomics
Classification: Likely benign. Review status: criteria provided, single submitter. Criteria: ACMG Guidelines, 2015. Collection method: not provided. Allele origin: germline. Inheritance: Autosomal recessive inheritance. Affected: yes.

PreventionGenetics, part of Exact Sciences
Classification: Likely benign for MLPH-related condition. Last evaluated: 2024-03-27. Review status: no assertion criteria provided. Collection method: clinical testing. Allele origin: germline. Not counted in ClinVar's aggregate classification.
Comment: This variant is classified as likely benign based on ACMG/AMP sequence variant interpretation guidelines (Richards et al. 2015 PMID: 25741868, with internal and published modifications).

Clinical Genetics DNA and cytogenetics Diagnostics Lab, Erasmus MC, Erasmus Medical Center
Classification: Likely benign. Review status: no assertion criteria provided. Collection method: clinical testing. Allele origin: germline. Affected: yes. Study: VKGL Data-share Consensus. Not counted in ClinVar's aggregate classification.

Clinical Genetics, Academic Medical Center
Classification: Benign. Review status: no assertion criteria provided. Collection method: clinical testing. Allele origin: germline. Affected: yes. Study: VKGL Data-share Consensus. Not counted in ClinVar's aggregate classification.

NM_024101.7(MLPH):c.1416G>A (p.Thr472=)

Gene: MLPH (melanophilin; plus strand). Cytogenetic location: 2q37.3.
Variant type: single nucleotide variant.
Coding change: c.1416G>A on transcript NM_024101.7 (MANE Select); coding-DNA position 1416, G replaced by A.
Protein change: p.Thr472=; no amino-acid change (threonine 472 retained).
Molecular consequence: synonymous variant. On other transcripts: non-coding transcript variant (1), intron variant (1).
Genome position (GRCh38, 1-based): chr2:237,540,927, G>A. VCF-style: chr2-237540927-G-A. GRCh37 (hg19) VCF-style: chr2-238449570-G-A.
Other names: c.1332G>A, p.Thr444= (NM_001042467.3); c.987G>A, p.Thr329= (NM_001281474.2); c.1086+394G>A (NM_001281473.2).
Identifiers: ClinVar variation 435878 (VCV000435878.44), dbSNP rs139181999, ClinGen allele CA2190593.